The following is an entry in ClinVar:

NM_001009944.3(PKD1):c.7754_7755del (p.Thr2585fs)

Gene: PKD1 (polycystin 1, transient receptor potential channel interacting; minus strand). Cytogenetic location: 16p13.3.
Variant type: Microsatellite.
Coding change: c.7754_7755del on transcript NM_001009944.3 (MANE Select); coding-DNA positions 7754 to 7755, 2 bases deleted (CA; older notation c.7754_7755delCA).
Protein change: p.Thr2585fs; shifts the reading frame from threonine 2585.
Molecular consequence: frameshift variant.
Genome position (GRCh38, 1-based): chr16:2,105,973-2,105,974, TG deleted on the plus strand (CA on the coding strand, the reverse complement: PKD1 is on the minus strand); deleting any 2 consecutive bases within chr16:2,105,973-2,105,976 gives the same sequence; the c. name uses the placement nearest the transcript's 3' end. VCF-style (leftmost placement, unchanged base first): chr16-2105972-CTG-C. GRCh37 (hg19) VCF-style: chr16-2155973-CTG-C.
Other names: c.7754_7755del, p.Thr2585fs (NM_000296.4); short protein forms T2585fs.
Identifiers: ClinVar variation 3764673 (VCV003764673.4).

ClinVar aggregate classification (germline): Pathogenic/Likely pathogenic. Review status: criteria provided, multiple submitters, no conflicts (2 of 4 stars). 3 submissions from 3 submitters: Pathogenic (2); Likely pathogenic (1). Last evaluated 2026-06-22.

Conditions:
PKD1-related disorder. Also called: PKD1-related condition.
Polycystic kidney disease, adult type (PKD1). Also called: POLYCYSTIC KIDNEY DISEASE, ADULT, TYPE I; Polycystic Kidney, Autosomal Dominant; POLYCYSTIC KIDNEY DISEASE 1 WITH OR WITHOUT POLYCYSTIC LIVER DISEASE; Polycystic Kidney Disease 1, Autosomal Dominant; Polycystic kidney disease 1; Polycystic kidney disease 1, severe. Identifiers: MedGen C3149841, MONDO:0008263, OMIM 173900.

Submissions (3):

MVZ Medizinische Genetik Mainz
Classification: Pathogenic for Polycystic kidney disease, adult type. Last evaluated: 2026-06-22. Review status: criteria provided, single submitter. Criteria: UK Practice Guidelines For Variant Classification V4 01 2020. Collection method: clinical testing. Allele origin: germline. Inheritance: Autosomal dominant inheritance. Affected: yes. Observed: 1 variant allele.
Comment: ACMG Criteria: PVS1,PS4_SUP,PM2_SUP,PP4

Blueprint Genetics
Classification: Likely pathogenic for PKD1-related disorders. Last evaluated: 2022-06-06. Review status: criteria provided, single submitter. Criteria: ACMG Guidelines, 2015. Collection method: clinical testing. Allele origin: germline. Affected: yes. Observed: 1 variant allele.

Juno Genomics, Hangzhou Juno Genomics, Inc
Classification: Pathogenic for Polycystic kidney disease, adult type. Review status: criteria provided, single submitter. Criteria: ACMG Guidelines, 2015. Collection method: clinical testing. Allele origin: germline. Affected: yes.
Comment: Absent from controls (or at extremely low frequency if recessive) in Genome Aggregation Database, Exome Sequencing Project, 1000 Genomes Project, or Exome Aggregation Consortium.;Null variant in a gene where loss of function (LOF) is a known mechanism of disease.;De novo (both maternity and paternity confirmed) in a patient with the disease and no family history.